The following is an entry in ClinVar:

ClinVar aggregate classification (germline): Uncertain significance (1 of 4 stars; one submission).

Conditions:
Polycystic kidney disease, adult type (PKD1). Also called: POLYCYSTIC KIDNEY DISEASE 1 WITH OR WITHOUT POLYCYSTIC LIVER DISEASE; POLYCYSTIC KIDNEY DISEASE, ADULT, TYPE I; Polycystic Kidney, Autosomal Dominant; Polycystic Kidney Disease 1, Autosomal Dominant; Polycystic kidney disease 1; Polycystic kidney disease 1, severe. Identifiers: MedGen C3149841, MONDO:0008263, OMIM 173900.

Submission:

3billion
Classification: Uncertain significance for Polycystic kidney disease, adult type. Last evaluated: 2025-02-04. Review status: criteria provided, single submitter. Criteria: ACMG Guidelines, 2015. Collection method: clinical testing. Allele origin: germline. Affected: yes.
Comment: The variant is not observed in the gnomAD v4.1.0 dataset. Predicted Consequence/Location: Intron variant Therefore, this variant is classified as VUS according to the recommendation of ACMG/AMP guideline.

NM_001009944.3(PKD1):c.7209+5G>C

Gene: PKD1 (polycystin 1, transient receptor potential channel interacting; minus strand). Cytogenetic location: 16p13.3.
Variant type: single nucleotide variant.
Coding change: c.7209+5G>C on transcript NM_001009944.3 (MANE Select); 5 bases into the intron after coding-DNA position 7209, G replaced by C.
Molecular consequence: intron variant.
Genome position (GRCh38, 1-based): chr16:2,106,800, C>G on the plus strand (G>C on the coding strand, the complement: PKD1 is on the minus strand). VCF-style: chr16-2106800-C-G. GRCh37 (hg19) VCF-style: chr16-2156801-C-G.
Other names: c.7209+5G>C (NM_000296.4).
Identifiers: ClinVar variation 4293783 (VCV004293783.1).
Genomic context (GRCh38, chr16:2,106,800, plus strand): 5'-GCAGGCCCCGTCCCCTCGGCCATGGGACCCATCCCCAGCCCGCCCACACCCCGCTCAACA[C>G]TCACCCCTCGCTTGGAGCCGCTGCTGCAATTGAGGCAGCGGCCCTCCAAGTACACGTAGG-3'